The following is an entry in ClinVar:

ClinVar aggregate classification (germline): Uncertain significance (1 of 4 stars; one submission).

Conditions:
Polyglandular autoimmune syndrome, type 1 (APS1). Also called: AUTOIMMUNE POLYENDOCRINE SYNDROME, TYPE I, WITH OR WITHOUT REVERSIBLE METAPHYSEAL DYSPLASIA; Autoimmune polyendocrinopathy syndrome , type I, with or without reversible metaphyseal dysplasia; Autoimmune polyendocrinopathy syndrome, type I; HYPOADRENOCORTICISM WITH HYPOPARATHYROIDISM AND SUPERFICIAL MONILIASIS; PGA I; Autoimmune polyendocrine syndrome type 1. Identifiers: Orphanet 3453, MedGen C0085859, MONDO:0009411, OMIM 240300.

gnomAD v4.1: 36 of 1,549,216 alleles (0.0023%); highest among the groups gnomAD compares: East Asian, 0.0049%; no homozygotes.

Submission:

Labcorp Genetics (formerly Invitae), Labcorp
Classification: Uncertain significance for Polyglandular autoimmune syndrome, type 1. Last evaluated: 2022-09-01. Review status: criteria provided, single submitter. Criteria: Invitae Variant Classification Sherloc (09022015). Collection method: clinical testing. Allele origin: germline.
Comment: This sequence change affects codon 365 of the AIRE mRNA. It is a 'silent' change, meaning that it does not change the encoded amino acid sequence of the AIRE protein. This variant also falls at the last nucleotide of exon 9, which is part of the consensus splice site for this exon. This variant is present in population databases (rs750688330, gnomAD 0.03%). This variant has not been reported in the literature in individuals affected with AIRE-related conditions. ClinVar contains an entry for this variant (Variation ID: 1396685). Variants that disrupt the consensus splice site are a relatively common cause of aberrant splicing (PMID: 17576681, 9536098). Algorithms developed to predict the effect of sequence changes on RNA splicing suggest that this variant may disrupt the consensus splice site. In summary, the available evidence is currently insufficient to determine the role of this variant in disease. Therefore, it has been classified as a Variant of Uncertain Significance.

Literature cited by the submitters: PubMed 17576681; PubMed 9536098.

NM_000383.4(AIRE):c.1095G>A (p.Pro365=)

Gene: AIRE (autoimmune regulator; plus strand). Cytogenetic location: 21q22.3.
Variant type: single nucleotide variant.
Coding change: c.1095G>A on transcript NM_000383.4 (MANE Select); coding-DNA position 1095, G replaced by A.
Protein change: p.Pro365=; no amino-acid change (proline 365 retained).
Molecular consequence: synonymous variant.
Genome position (GRCh38, 1-based): chr21:44,292,401, G>A. VCF-style: chr21-44292401-G-A. GRCh37 (hg19) VCF-style: chr21-45712284-G-A.
Identifiers: ClinVar variation 1396685 (VCV001396685.3), dbSNP rs750688330, ClinGen allele CA10051918.